The following is an entry in ClinVar:

NM_000219.6(KCNE1):c.114T>G (p.Ser38Arg)

Gene: KCNE1 (potassium voltage-gated channel subfamily E regulatory subunit 1; minus strand). Cytogenetic location: 21q22.12.
Variant type: single nucleotide variant.
Coding change: c.114T>G on transcript NM_000219.6 (MANE Select); coding-DNA position 114, T replaced by G.
Protein change: p.Ser38Arg; replaces serine 38 with arginine.
Molecular consequence: missense variant.
Genome position (GRCh38, 1-based): chr21:34,449,521, A>C on the plus strand (T>G on the coding strand, the complement: KCNE1 is on the minus strand). VCF-style: chr21-34449521-A-C. GRCh37 (hg19) VCF-style: chr21-35821819-A-C.
Other names: c.114T>G, p.Ser38Arg (NM_001127668.4, NM_001127669.4, NM_001127670.4 and 4 more transcripts); short protein forms S38R.
Identifiers: ClinVar variation 3374082 (VCV003374082.2).

Conditions:
Long QT syndrome 5 (LQT5). Identifiers: Orphanet 101016, Orphanet 768, MedGen C1867904, MONDO:0013372, OMIM 613695.

Submission:

Roden Lab, Vanderbilt University Medical Center
No classification provided (evidence only). Condition: Long QT syndrome 5. Review status: no classification provided. Collection method: in vitro. Allele origin: not applicable. Functional consequence: Effect on ion channel function.
ClinVar note: "not provided" was previously submitted as the classification for the variant. However, the classification appeared to be based only on an observation of functional data so it was converted to no classification on 2025-07-30.